The following is an entry in ClinVar:

NM_020631.6(PLEKHG5):c.92C>G (p.Thr31Ser)

Gene: PLEKHG5 (pleckstrin homology and RhoGEF domain containing G5; minus strand). Cytogenetic location: 1p36.31.
Variant type: single nucleotide variant.
Coding change: c.92C>G on transcript NM_020631.6 (MANE Select); coding-DNA position 92, C replaced by G.
Protein change: p.Thr31Ser; replaces threonine 31 with serine.
Molecular consequence: missense variant.
Genome position (GRCh38, 1-based): chr1:6,475,988, G>C on the plus strand (C>G on the coding strand, the complement: PLEKHG5 is on the minus strand). VCF-style: chr1-6475988-G-C. GRCh37 (hg19) VCF-style: chr1-6536048-G-C.
Other names: c.203C>G, p.Thr68Ser (NM_001042663.3, NM_001265592.2); c.92C>G, p.Thr31Ser (NM_001042664.2, NM_001042665.2, NM_001265594.3 and 1 more transcripts); c.299C>G, p.Thr100Ser (NM_001265593.2); short protein forms T31S, T100S, T68S.
Identifiers: ClinVar variation 2111717 (VCV002111717.4), dbSNP rs763739771, ClinGen allele CA338141373.

ClinVar aggregate classification (germline): Uncertain significance (1 of 4 stars; one submission).

Conditions:
Neuronopathy, distal hereditary motor, autosomal recessive 4. Also called: Autosomal recessive lower motor neuron disease with childhood onset; NEUROPATHY, DISTAL HEREDITARY MOTOR, AUTOSOMAL RECESSIVE 4. Identifiers: Orphanet 206580, MedGen C1970211, MONDO:0012608, OMIM 611067.
Charcot-Marie-Tooth disease recessive intermediate C. Also called: CHARCOT-MARIE-TOOTH NEUROPATHY, RECESSIVE INTERMEDIATE C. Identifiers: Orphanet 369867, MedGen C3809309, MONDO:0014154, OMIM 615376.

Submission:

Labcorp Genetics (formerly Invitae), Labcorp
Classification: Uncertain significance for Neuronopathy, distal hereditary motor, autosomal recessive 4; Charcot-Marie-Tooth disease recessive intermediate C. Last evaluated: 2022-11-28. Review status: criteria provided, single submitter. Criteria: Invitae Variant Classification Sherloc (09022015). Collection method: clinical testing. Allele origin: germline.
Comment: In summary, the available evidence is currently insufficient to determine the role of this variant in disease. Therefore, it has been classified as a Variant of Uncertain Significance. Algorithms developed to predict the effect of missense changes on protein structure and function are either unavailable or do not agree on the potential impact of this missense change (SIFT: "Tolerated"; PolyPhen-2: "Probably Damaging"; Align-GVGD: "Class C0"). This variant has not been reported in the literature in individuals affected with PLEKHG5-related conditions. This variant is not present in population databases (gnomAD no frequency). This sequence change replaces threonine, which is neutral and polar, with serine, which is neutral and polar, at codon 31 of the PLEKHG5 protein (p.Thr31Ser).